The following is an entry in ClinVar:

ClinVar aggregate classification (germline): Uncertain significance (1 of 4 stars; one submission).

Allele frequency attached by ClinVar (database versions not stated): gnomAD exomes below 0.00001.
gnomAD v4.1: 2 of 1,577,024 alleles (0.00013%); highest among the groups gnomAD compares: African/African-American, 0.0014%; no homozygotes.

Submission:

Greenwood Genetic Center Diagnostic Laboratories, Greenwood Genetic Center
Classification: Uncertain significance. Last evaluated: 2023-03-30. Review status: criteria provided, single submitter. Criteria: ACMG Guidelines, 2015. Collection method: clinical testing. Allele origin: germline. Affected: yes.
Comment: PM2, PP2

NM_006035.4(CDC42BPB):c.3173T>C (p.Val1058Ala)

Gene: CDC42BPB (CDC42 binding protein kinase beta; minus strand). Cytogenetic location: 14q32.32.
Variant type: single nucleotide variant.
Coding change: c.3173T>C on transcript NM_006035.4 (MANE Select); coding-DNA position 3173, T replaced by C.
Protein change: p.Val1058Ala; replaces valine 1058 with alanine.
Molecular consequence: missense variant.
Genome position (GRCh38, 1-based): chr14:102,950,602, A>G on the plus strand (T>C on the coding strand, the complement: CDC42BPB is on the minus strand). VCF-style: chr14-102950602-A-G. GRCh37 (hg19) VCF-style: chr14-103416939-A-G.
Other names: c.3095T>C, p.Val1032Ala (NM_001411054.1); short protein forms V1032A, V1058A.
Identifiers: ClinVar variation 2505222 (VCV002505222.1), dbSNP rs963853088, ClinGen allele CA267142021.